The following is an entry in ClinVar:

ClinVar aggregate classification (germline): Pathogenic (1 of 4 stars; one submission).

Conditions:
Bethlem myopathy 1A. Also called: Bethlem Muscular Dystrophy; MYOPATHY, BENIGN CONGENITAL, WITH CONTRACTURES; Bethlem myopathy 1. Identifiers: Orphanet 610, MedGen CN029274, MONDO:0024530, OMIM 158810.

Submission:

Labcorp Genetics (formerly Invitae), Labcorp
Classification: Pathogenic for Bethlem myopathy 1A. Last evaluated: 2024-09-16. Review status: criteria provided, single submitter. Criteria: Invitae Variant Classification Sherloc (09022015). Collection method: clinical testing. Allele origin: germline.
Comment: This sequence change replaces glycine, which is neutral and non-polar, with aspartic acid, which is acidic and polar, at codon 2074 of the COL6A3 protein (p.Gly2074Asp). This variant is not present in population databases (gnomAD no frequency). This missense change has been observed in individual(s) with autosomal dominant Ullrich congenital muscular dystrophy (PMID: 18825676, 37023487). In at least one individual the variant was observed to be de novo. ClinVar contains an entry for this variant (Variation ID: 2203291). Invitae Evidence Modeling of protein sequence and biophysical properties (such as structural, functional, and spatial information, amino acid conservation, physicochemical variation, residue mobility, and thermodynamic stability) indicates that this missense variant is expected to disrupt COL6A3 protein function with a positive predictive value of 80%. This variant disrupts the triple helix domain of COL6A3. Glycine residues within the Gly-Xaa-Yaa repeats of the triple helix domain are required for the structure and stability of fibrillar collagens (PMID: 7695699, 8218237, 19344236). In COL6A3, missense variants at these glycine residues are significantly enriched in individuals with autosomal dominant disease (PMID: 15689448, 24038877) compared to the general population (ExAC). This variant disrupts the p.Gly2074 amino acid residue in COL6A3. Other variant(s) that disrupt this residue have been observed in individuals with COL6A3-related conditions (PMID: 20976770, 28831785), which suggests that this may be a clinically significant amino acid residue. For these reasons, this variant has been classified as Pathogenic.

Literature cited by the submitters: PubMed 18825676; PubMed 37023487; PubMed 7695699; PubMed 8218237; PubMed 19344236; PubMed 15689448; PubMed 24038877; PubMed 20976770; PubMed 28831785.

NM_004369.4(COL6A3):c.6221G>A (p.Gly2074Asp)

Gene: COL6A3 (collagen type VI alpha 3 chain; minus strand). Cytogenetic location: 2q37.3.
Variant type: single nucleotide variant.
Coding change: c.6221G>A on transcript NM_004369.4 (MANE Select); coding-DNA position 6221, G replaced by A.
Protein change: p.Gly2074Asp; replaces glycine 2074 with aspartic acid.
Molecular consequence: missense variant.
Genome position (GRCh38, 1-based): chr2:237,360,149, C>T on the plus strand (G>A on the coding strand, the complement: COL6A3 is on the minus strand). VCF-style: chr2-237360149-C-T. GRCh37 (hg19) VCF-style: chr2-238268792-C-T.
Other names: c.4400G>A, p.Gly1467Asp (NM_057166.5); c.5603G>A, p.Gly1868Asp (NM_057167.4); short protein forms G1467D, G2074D, G1868D.
Identifiers: ClinVar variation 2203291 (VCV002203291.4), dbSNP rs2469862075, ClinGen allele CA351216717.